The following is an entry in ClinVar:

NC_000017.10:g.(?_78086381)_(78091497_?)del

Gene: GAA (alpha glucosidase; plus strand). Cytogenetic location: 17q25.3.
Variant type: Deletion.
Identifiers: ClinVar variation 3242830 (VCV003242830.1).

ClinVar aggregate classification (germline): Likely pathogenic (1 of 4 stars; one submission).

Conditions:
Glycogen storage disease, type II (IOPD). Also called: CARDIOMEGALIA GLYCOGENICA DIFFUSA; GLYCOGENOSIS, GENERALIZED, CARDIAC FORM; GSD II; Glycogen storage disease type 2; Acid maltase deficiency disease; Aglucosidase alfa. Identifiers: Orphanet 365, MedGen C0017921, MONDO:0009290, OMIM 232300.

Submission:

Labcorp Genetics (formerly Invitae), Labcorp
Classification: Likely pathogenic for Glycogen storage disease, type II. Last evaluated: 2020-10-10. Review status: criteria provided, single submitter. Criteria: Invitae Variant Classification Sherloc (09022015). Collection method: clinical testing. Allele origin: unknown.
Comment: In summary, the currently available evidence indicates that the variant is pathogenic, but additional data are needed to prove that conclusively. Therefore, this variant has been classified as Likely Pathogenic. This variant disrupts the p.Arg672 amino acid residue in GAA. Other variant(s) that disrupt this residue have been determined to be pathogenic (PMID: 9535769, 15986226, 9535769, 23884227, 11053688, 28592009, 25712382, 9535769, 19862843). This suggests that this residue is clinically significant, and that variants that disrupt this residue are likely to be disease-causing. This variant has not been reported in the literature in individuals with GAA-related conditions. This variant is an in-frame deletion of the genomic region encompassing part of exon 13, exons 14-16, and part of exon 17 (c.1763_2434del) of the GAA gene. It preserves the integrity of the reading frame.

Literature cited by the submitters: PubMed 9535769; PubMed 15986226; PubMed 23884227; PubMed 11053688; PubMed 28592009; PubMed 25712382; PubMed 19862843.